The following is an entry in ClinVar:

ClinVar aggregate classification (germline): Pathogenic. Review status: reviewed by expert panel (3 of 4 stars). 2 submissions from 2 submitters: Pathogenic (1). 1 of the submissions does not count toward it. Last evaluated 2016-09-08.

Conditions:
Breast-ovarian cancer, familial, susceptibility to, 1 (BROVCA1). Also called: BRCA1 Hereditary Breast and Ovarian Cancer; OVARIAN CANCER, SUSCEPTIBILITY TO. Identifiers: Orphanet 145, MedGen C2676676, MONDO:0011450, OMIM 604370. Disease mechanism: loss of function.

Submissions (2):

Evidence-based Network for the Interpretation of Germline Mutant Alleles (ENIGMA)
Classification: Pathogenic for Breast-ovarian cancer, familial, susceptibility to, 1. Last evaluated: 2016-09-08. Review status: reviewed by expert panel. Criteria: ENIGMA BRCA1/2 Classification Criteria (2015). Collection method: curation. Allele origin: germline.
Comment: Variant allele predicted to encode a truncated non-functional protein.

Breast Cancer Information Core (BIC) (BRCA1)
Classification: Pathogenic for Breast-ovarian cancer, familial 1. Last evaluated: 2004-11-25. Review status: no assertion criteria provided. Collection method: clinical testing. Allele origin: germline. Affected: yes. Observed: 1 variant allele. Not counted in ClinVar's aggregate classification.

NM_007294.4(BRCA1):c.1826del (p.Asn609fs)

Gene: BRCA1 (BRCA1 DNA repair associated; minus strand). Cytogenetic location: 17q21.31.
Variant type: Deletion.
Coding change: c.1826del on transcript NM_007294.4 (MANE Select); coding-DNA position 1826, one base deleted (A; older notation c.1826delA).
Protein change: p.Asn609fs; shifts the reading frame from asparagine 609.
Molecular consequence: frameshift variant. On other transcripts: intron variant (137).
Genome position (GRCh38, 1-based): chr17:43,093,705, T deleted on the plus strand (A on the coding strand, the reverse complement: BRCA1 is on the minus strand); the first of 2 consecutive T bases (chr17:43,093,705-43,093,706); deleting either gives the same sequence. VCF-style (leftmost placement, unchanged base first): chr17-43093704-AT-A. GRCh37 (hg19) VCF-style: chr17-41245721-AT-A.
Other names: 1944delAAinsT; c.1826delA (NM_007294.3); c.1613del, p.Asn538fs (NM_001407571.1, NM_001407853.1, NM_001407894.1 and 9 more transcripts); c.1826del, p.Asn609fs (NM_001407581.1, NM_001407582.1, NM_001407583.1 and 30 more transcripts); c.1823del, p.Asn608fs (NM_001407587.1, NM_001407590.1, NM_001407591.1 and 22 more transcripts); c.1817del, p.Asn606fs (NM_001407646.1, NM_001407647.1); c.1703del, p.Asn568fs (NM_001407648.1, NM_001407664.1, NM_001407665.1 and 19 more transcripts); c.1700del, p.Asn567fs (NM_001407649.1, NM_001407670.1, NM_001407671.1 and 11 more transcripts); and 42 more; short protein forms N609fs, N562fs, N313fs, N497fs, N520fs, N538fs, N561fs, N582fs.
Identifiers: ClinVar variation 254398 (VCV000254398.3), dbSNP rs80357736, ClinGen allele CA001187.